The following is an entry in ClinVar:

ClinVar aggregate classification (germline): Benign/Likely benign. Review status: criteria provided, multiple submitters, no conflicts (2 of 4 stars). 5 submissions from 5 submitters: Benign (2); Likely benign (3). Last evaluated 2026-01-13.

Conditions:
Oligodontia-cancer predisposition syndrome. Also called: TOOTH AGENESIS-COLORECTAL CANCER SYNDROME. Identifiers: Orphanet 300576, MedGen C1837750, MONDO:0012075, OMIM 608615. Disease mechanism: loss of function.
Hereditary cancer-predisposing syndrome. Also called: Hereditary Cancer Syndrome; Hereditary neoplastic syndrome; Neoplastic Syndromes, Hereditary; Tumor predisposition. Identifiers: Orphanet 140162, MedGen C0027672, MeSH D009386, MONDO:0015356.

Allele frequency attached by ClinVar (database versions not stated): ExAC 0.00001; gnomAD exomes 0.00002 and 0.00006; gnomAD 0.00003; 1000 Genomes Project 30x 0.00031; 1000 Genomes Project 0.00040.
gnomAD v4.1: 87 of 1,613,468 alleles (0.0054%); highest among the groups gnomAD compares: East Asian, 0.19%; no homozygotes.

Submissions (5):

Labcorp Genetics (formerly Invitae), Labcorp
Classification: Likely benign for Oligodontia-cancer predisposition syndrome. Last evaluated: 2026-01-13. Review status: criteria provided, single submitter. Criteria: Invitae Variant Classification Sherloc (09022015). Collection method: clinical testing. Allele origin: germline.

Myriad Genetics, Inc.
Classification: Benign for Oligodontia-cancer predisposition syndrome. Last evaluated: 2024-07-08. Review status: criteria provided, single submitter. Criteria: Myriad Autosomal Dominant, Autosomal Recessive and X-Linked Classification Criteria (2023). Collection method: clinical testing. Allele origin: unknown.
Comment: This variant is considered benign. This variant is a silent/synonymous amino acid change and it is not expected to impact splicing.

Ambry Genetics
Classification: Likely benign for Hereditary cancer-predisposing syndrome. Last evaluated: 2019-07-17. Review status: criteria provided, single submitter. Criteria: Ambry Variant Classification Scheme 2023. Collection method: clinical testing. Allele origin: germline.

GeneDx
Classification: Likely benign. Last evaluated: 2019-06-10. Review status: criteria provided, single submitter. Criteria: GeneDx Variant Classification Process June 2021. Collection method: clinical testing. Allele origin: germline. Affected: yes.

Illumina Laboratory Services, Illumina
Classification: Benign for Oligodontia-cancer predisposition syndrome. Last evaluated: 2018-01-13. Review status: criteria provided, single submitter. Criteria: ICSL Variant Classification Criteria 13 December 2019. Collection method: clinical testing. Allele origin: germline.
Comment: This variant was observed in the ICSL laboratory as part of a predisposition screen in an ostensibly healthy population. It had not been previously curated by ICSL or reported in the Human Gene Mutation Database (HGMD: prior to June 1st, 2018), and was therefore a candidate for classification through an automated scoring system. Utilizing variant allele frequency, disease prevalence and penetrance estimates, and inheritance mode, an automated score was calculated to assess if this variant is too frequent to cause the disease. Based on the score and internal cut-off values, a variant classified as benign is not then subjected to further curation. The score for this variant resulted in a classification of benign for this disease.

NM_004655.4(AXIN2):c.1887G>A (p.Gln629=)

Gene: AXIN2 (axin 2; minus strand). Cytogenetic location: 17q24.1.
Variant type: single nucleotide variant.
Coding change: c.1887G>A on transcript NM_004655.4 (MANE Select); coding-DNA position 1887, G replaced by A.
Protein change: p.Gln629=; no amino-acid change (glutamine 629 retained).
Molecular consequence: synonymous variant. On other transcripts: intron variant (1).
Genome position (GRCh38, 1-based): chr17:65,536,889, C>T on the plus strand (G>A on the coding strand, the complement: AXIN2 is on the minus strand). VCF-style: chr17-65536889-C-T. GRCh37 (hg19) VCF-style: chr17-63533007-C-T.
Other names: c.1713-336G>A (NM_001363813.1); c.1887G>A (LRG_296t1).
Identifiers: ClinVar variation 382839 (VCV000382839.23), dbSNP rs140163819, ClinGen allele CA8718505.